The following is an entry in ClinVar:

ClinVar aggregate classification (germline): Uncertain significance (1 of 4 stars; one submission).

gnomAD v4.1: 2 of 1,614,046 alleles (0.00012%); highest among the groups gnomAD compares: Non-Finnish European, 0.00017%; no homozygotes.

Submission:

Labcorp Genetics (formerly Invitae), Labcorp
Classification: Uncertain significance. Last evaluated: 2025-01-27. Review status: criteria provided, single submitter. Criteria: Invitae Variant Classification Sherloc (09022015). Collection method: clinical testing. Allele origin: germline.
Comment: This sequence change replaces aspartic acid, which is acidic and polar, with valine, which is neutral and non-polar, at codon 954 of the SIN3A protein (p.Asp954Val). This variant is not present in population databases (gnomAD no frequency). This variant has not been reported in the literature in individuals affected with SIN3A-related conditions. Invitae Evidence Modeling of protein sequence and biophysical properties (such as structural, functional, and spatial information, amino acid conservation, physicochemical variation, residue mobility, and thermodynamic stability) indicates that this missense variant is not expected to disrupt SIN3A protein function with a negative predictive value of 80%. In summary, the available evidence is currently insufficient to determine the role of this variant in disease. Therefore, it has been classified as a Variant of Uncertain Significance.

NM_001145358.2(SIN3A):c.2861A>T (p.Asp954Val)

Gene: SIN3A (SIN3 transcription regulator family member A; minus strand). Cytogenetic location: 15q24.2.
Variant type: single nucleotide variant.
Coding change: c.2861A>T on transcript NM_001145358.2 (MANE Select); coding-DNA position 2861, A replaced by T.
Protein change: p.Asp954Val; replaces aspartic acid 954 with valine.
Molecular consequence: missense variant.
Genome position (GRCh38, 1-based): chr15:75,389,812, T>A on the plus strand (A>T on the coding strand, the complement: SIN3A is on the minus strand). VCF-style: chr15-75389812-T-A. GRCh37 (hg19) VCF-style: chr15-75682153-T-A.
Other names: c.2861A>T, p.Asp954Val (NM_001145357.2, NM_001437462.1, NM_001437463.1 and 1 more transcripts); short protein forms D954V.
Identifiers: ClinVar variation 4762354 (VCV004762354.1).